The following is an entry in ClinVar:

NM_000090.4(COL3A1):c.2601T>C (p.Gly867=)

Gene: COL3A1 (collagen type III alpha 1 chain; plus strand). Cytogenetic location: 2q32.2.
Variant type: single nucleotide variant.
Coding change: c.2601T>C on transcript NM_000090.4 (MANE Select); coding-DNA position 2601, T replaced by C.
Protein change: p.Gly867=; no amino-acid change (glycine 867 retained).
Molecular consequence: synonymous variant.
Genome position (GRCh38, 1-based): chr2:189,003,458, T>C. VCF-style: chr2-189003458-T-C. GRCh37 (hg19) VCF-style: chr2-189868184-T-C.
Identifiers: ClinVar variation 1908413 (VCV001908413.9), dbSNP rs2469152204, ClinGen allele CA430311583.

ClinVar aggregate classification (germline): Likely benign. Review status: criteria provided, multiple submitters, no conflicts (2 of 4 stars). 4 submissions from 4 submitters: Likely benign (4). Last evaluated 2026-01-25.

Conditions:
Familial thoracic aortic aneurysm and aortic dissection (TAAD). Also called: Thoracic aortic aneurysms and dissections. Identifiers: Orphanet 91387, MedGen C4707243, MONDO:0019625.
Ehlers-Danlos syndrome, type 4 (EDSVASC). Also called: Ehlers-Danlos syndrome vascular type; Ehlers Danlos syndrome, ecchymotic type; Ehlers Danlos syndrome, arterial type; Ehlers Danlos syndrome, Sack-Barabas type; Ehlers-Danlos Syndrome Type IV. Identifiers: Orphanet 286, MedGen C0268338, MONDO:0017314, OMIM 130050.

Submissions (4):

Ambry Genetics
Classification: Likely benign for Familial thoracic aortic aneurysm and aortic dissection. Last evaluated: 2026-01-25. Review status: criteria provided, single submitter. Criteria: Ambry Variant Classification Scheme 2023. Collection method: clinical testing. Allele origin: germline.

All of Us Research Program, National Institutes of Health
Classification: Likely benign for Ehlers-Danlos syndrome, type 4. Last evaluated: 2023-07-19. Review status: criteria provided, single submitter. Criteria: ACMG Guidelines, 2015. Collection method: clinical testing. Allele origin: germline. Inheritance: Autosomal dominant inheritance. Observed: 1 variant allele, 1 heterozygote.
Comment: This study involves interpretation of variants in research participants for the purpose of population health screening. Participant phenotype was not available at the time of variant classification. Additional details can be found in publication PMID: 35346344, PMCID: PMC8962531

Color Diagnostics, LLC DBA Color Health
Classification: Likely benign for Familial thoracic aortic aneurysm and aortic dissection. Last evaluated: 2022-12-05. Review status: criteria provided, single submitter. Criteria: ACMG Guidelines, 2015. Collection method: clinical testing. Allele origin: germline.

Labcorp Genetics (formerly Invitae), Labcorp
Classification: Likely benign for Ehlers-Danlos syndrome, type 4. Last evaluated: 2022-10-16. Review status: criteria provided, single submitter. Criteria: Invitae Variant Classification Sherloc (09022015). Collection method: clinical testing. Allele origin: germline.